The following is an entry in ClinVar:

ClinVar aggregate classification (germline): Likely benign. Review status: criteria provided, multiple submitters, no conflicts (2 of 4 stars). 2 submissions from 2 submitters: Likely benign (2). Last evaluated 2024-12-01.

Allele frequency attached by ClinVar (database versions not stated): gnomAD exomes below 0.00001; TOPMed below 0.00001; gnomAD 0.00001.
gnomAD v4.1: 3 of 1,614,146 alleles (0.00019%); highest among the groups gnomAD compares: Non-Finnish European, 0.000085%; no homozygotes.

Submissions (2):

CeGaT Center for Human Genetics Tuebingen
Classification: Likely benign. Last evaluated: 2024-12-01. Review status: criteria provided, single submitter. Criteria: CeGaT Center For Human Genetics Tuebingen Variant Classification Criteria Version 2. Collection method: clinical testing. Allele origin: germline. Affected: yes. Observed: 1 variant allele.
Comment: FAT4: BP4, BP7

Labcorp Genetics (formerly Invitae), Labcorp
Classification: Likely benign. Last evaluated: 2024-08-31. Review status: criteria provided, single submitter. Criteria: Invitae Variant Classification Sherloc (09022015). Collection method: clinical testing. Allele origin: germline.

NM_001291303.3(FAT4):c.9360A>G (p.Ala3120=)

Gene: FAT4 (FAT atypical cadherin 4; plus strand). Cytogenetic location: 4q28.1.
Variant type: single nucleotide variant.
Coding change: c.9360A>G on transcript NM_001291303.3 (MANE Select); coding-DNA position 9360, A replaced by G.
Protein change: p.Ala3120=; no amino-acid change (alanine 3120 retained).
Molecular consequence: synonymous variant.
Genome position (GRCh38, 1-based): chr4:125,450,370, A>G. VCF-style: chr4-125450370-A-G. GRCh37 (hg19) VCF-style: chr4-126371525-A-G.
Other names: c.9360A>G, p.Ala3120= (NM_001291285.3); c.9354A>G, p.Ala3118= (NM_024582.6).
Identifiers: ClinVar variation 1534086 (VCV001534086.21), dbSNP rs957324299, ClinGen allele CA104881762.
Genomic context (GRCh38, chr4:125,450,370, plus strand): 5'-CCCTGAGAGCCATAGCATTGGGTCCATTGTCAGAACTGTTTCTGCAAGAGATAGAGATGC[A>G]GCGATGAATGGCTTGATTAAGTACAGCATTTCTTCAGGAAATGAAGAAGGCATTTTTGCA-3'
Protein context (NP_001278232.1, residues 3110-3130): VRTVSARDRD[Ala3120=]AMNGLIKYSI